The following is an entry in ClinVar:

ClinVar aggregate classification (germline): Uncertain significance (1 of 4 stars; one submission).

Conditions:
Cutis laxa, autosomal dominant 3 (ADCL3). Identifiers: Orphanet 90348, MedGen C4225268, MONDO:0014706, OMIM 616603.
Autosomal dominant spastic paraplegia type 9. Identifiers: MedGen C1832669, MONDO:0015091.
de Barsy syndrome. Also called: Cutis laxa-corneal clouding-oligophrenia syndrome. Identifiers: Orphanet 2962, MedGen C0268354, MONDO:0017569.

Allele frequency attached by ClinVar (database versions not stated): ExAC 0.00001; gnomAD 0.00001.
gnomAD v4.1: 7 of 1,613,836 alleles (0.00043%); highest among the groups gnomAD compares: East Asian, 0.0045%; no homozygotes.

Submission:

Labcorp Genetics (formerly Invitae), Labcorp
Classification: Uncertain significance for Autosomal dominant spastic paraplegia type 9; de Barsy syndrome; Cutis laxa, autosomal dominant 3. Last evaluated: 2023-02-01. Review status: criteria provided, single submitter. Criteria: Invitae Variant Classification Sherloc (09022015). Collection method: clinical testing. Allele origin: germline.
Comment: This sequence change replaces arginine, which is basic and polar, with tryptophan, which is neutral and slightly polar, at codon 201 of the ALDH18A1 protein (p.Arg201Trp). This variant is present in population databases (rs542046861, gnomAD 0.01%). This variant has not been reported in the literature in individuals affected with ALDH18A1-related conditions. Advanced modeling of protein sequence and biophysical properties (such as structural, functional, and spatial information, amino acid conservation, physicochemical variation, residue mobility, and thermodynamic stability) has been performed at Invitae for this missense variant, however the output from this modeling did not meet the statistical confidence thresholds required to predict the impact of this variant on ALDH18A1 protein function. In summary, the available evidence is currently insufficient to determine the role of this variant in disease. Therefore, it has been classified as a Variant of Uncertain Significance.

NM_002860.4(ALDH18A1):c.601C>T (p.Arg201Trp)

Gene: ALDH18A1 (aldehyde dehydrogenase 18 family member A1; minus strand). Cytogenetic location: 10q24.1.
Variant type: single nucleotide variant.
Coding change: c.601C>T on transcript NM_002860.4 (MANE Select); coding-DNA position 601, C replaced by T.
Protein change: p.Arg201Trp; replaces arginine 201 with tryptophan.
Molecular consequence: missense variant. On other transcripts: 5 prime UTR variant (1).
Genome position (GRCh38, 1-based): chr10:95,633,607, G>A on the plus strand (C>T on the coding strand, the complement: ALDH18A1 is on the minus strand). VCF-style: chr10-95633607-G-A. GRCh37 (hg19) VCF-style: chr10-97393364-G-A.
Other names: c.268C>T, p.Arg90Trp (NM_001323418.2, NM_001323412.2, NM_001323416.2); c.-36C>T (NM_001323419.2); c.601C>T, p.Arg201Trp (NM_001017423.2, NM_001323413.2, NM_001323414.2 and 1 more transcripts); c.496C>T, p.Arg166Trp (NM_001323417.2); short protein forms R166W, R201W, R90W.
Identifiers: ClinVar variation 2933859 (VCV002933859.3), dbSNP rs542046861, ClinGen allele CA5620564.